The following is an entry in ClinVar:

ClinVar aggregate classification (germline): Uncertain significance (1 of 4 stars; one submission).

Conditions:
Hereditary cancer-predisposing syndrome. Also called: Neoplastic Syndromes, Hereditary; Hereditary Cancer Syndrome; Tumor predisposition; Hereditary neoplastic syndrome. Identifiers: Orphanet 140162, MedGen C0027672, MeSH D009386, MONDO:0015356.

Submission:

Labcorp Genetics (formerly Invitae), Labcorp
Classification: Uncertain significance for Hereditary cancer-predisposing syndrome. Last evaluated: 2023-11-07. Review status: criteria provided, single submitter. Criteria: Invitae Variant Classification Sherloc (09022015). Collection method: clinical testing. Allele origin: germline.
Comment: This sequence change replaces glutamine, which is neutral and polar, with arginine, which is basic and polar, at codon 81 of the RAD50 protein (p.Gln81Arg). This variant is not present in population databases (gnomAD no frequency). This variant has not been reported in the literature in individuals affected with RAD50-related conditions. Advanced modeling of protein sequence and biophysical properties (such as structural, functional, and spatial information, amino acid conservation, physicochemical variation, residue mobility, and thermodynamic stability) performed at Invitae indicates that this missense variant is expected to disrupt RAD50 protein function with a positive predictive value of 80%. In summary, the available evidence is currently insufficient to determine the role of this variant in disease. Therefore, it has been classified as a Variant of Uncertain Significance.

NM_005732.4(RAD50):c.242A>G (p.Gln81Arg)

Gene: RAD50 (RAD50 double strand break repair protein; plus strand). Cytogenetic location: 5q31.1.
Variant type: single nucleotide variant.
Coding change: c.242A>G on transcript NM_005732.4 (MANE Select); coding-DNA position 242, A replaced by G.
Protein change: p.Gln81Arg; replaces glutamine 81 with arginine.
Molecular consequence: missense variant.
Genome position (GRCh38, 1-based): chr5:132,575,805, A>G. VCF-style: chr5-132575805-A-G. GRCh37 (hg19) VCF-style: chr5-131911497-A-G.
Other names: short protein forms Q81R.
Identifiers: ClinVar variation 2851694 (VCV002851694.3), dbSNP rs2479607979, ClinGen allele CA360930389.